The following is an entry in ClinVar:

NM_001042492.3(NF1):c.4075C>G (p.Pro1359Ala)

Gene: NF1 (neurofibromin 1; plus strand). Cytogenetic location: 17q11.2.
Variant type: single nucleotide variant.
Coding change: c.4075C>G on transcript NM_001042492.3 (MANE Select); coding-DNA position 4075, C replaced by G.
Protein change: p.Pro1359Ala; replaces proline 1359 with alanine.
Molecular consequence: missense variant.
Genome position (GRCh38, 1-based): chr17:31,249,084, C>G. VCF-style: chr17-31249084-C-G. GRCh37 (hg19) VCF-style: chr17-29576102-C-G.
Other names: c.4075C>G, p.Pro1359Ala (NM_000267.4); short protein forms P1359A.
Identifiers: ClinVar variation 3404803 (VCV003404803.1).
Genomic context (GRCh38, chr17:31,249,084, plus strand): 5'-CTCCTTCAGATGACTGAAAAGTTCTTCCATGCCATCATCAGTTCCTCCTCAGAATTCCCC[C>G]CTCAACTTCGAAGTGTGTGCCACTGTTTATACCAGGTATGCTTACAGTTAGAGATTACCA-3'
Protein context (NP_001035957.1, residues 1349-1369): AIISSSSEFP[Pro1359Ala]QLRSVCHCLY

ClinVar aggregate classification (germline): Uncertain significance (1 of 4 stars; one submission).

Conditions:
Hereditary cancer-predisposing syndrome. Also called: Hereditary Cancer Syndrome; Tumor predisposition; Hereditary neoplastic syndrome; Neoplastic Syndromes, Hereditary. Identifiers: Orphanet 140162, MedGen C0027672, MeSH D009386, MONDO:0015356.
Cardiovascular phenotype. Identifiers: MedGen CN230736.

Submission:

Ambry Genetics
Classification: Uncertain significance for Cardiovascular phenotype; Hereditary cancer-predisposing syndrome. Last evaluated: 2024-10-17. Review status: criteria provided, single submitter. Criteria: Ambry Variant Classification Scheme 2023. Collection method: clinical testing. Allele origin: germline.
Comment: The p.P1359A variant (also known as c.4075C>G), located in coding exon 30 of the NF1 gene, results from a C to G substitution at nucleotide position 4075. The proline at codon 1359 is replaced by alanine, an amino acid with highly similar properties. This amino acid position is conserved. In addition, the in silico prediction for this alteration is inconclusive. Based on the available evidence, the clinical significance of this variant remains unclear.